The following is an entry in ClinVar:

NM_022114.4(PRDM16):c.3592C>A (p.Leu1198Ile)

Gene: PRDM16 (PR/SET domain 16; plus strand). Cytogenetic location: 1p36.32.
Variant type: single nucleotide variant.
Coding change: c.3592C>A on transcript NM_022114.4 (MANE Select); coding-DNA position 3592, C replaced by A.
Protein change: p.Leu1198Ile; replaces leucine 1198 with isoleucine.
Molecular consequence: missense variant.
Genome position (GRCh38, 1-based): chr1:3,432,036, C>A. VCF-style: chr1-3432036-C-A. GRCh37 (hg19) VCF-style: chr1-3348600-C-A.
Other names: c.3592C>A, p.Leu1198Ile (NM_199454.3); short protein forms L1198I.
Identifiers: ClinVar variation 658759 (VCV000658759.11), dbSNP rs778899500, ClinGen allele CA544918.
Genomic context (GRCh38, chr1:3,432,036, plus strand): 5'-GACCACGAAGGCGGTCTGTTAGCTTTGGAGCCGATGCCGACTTTTGGGAAGGGGCTGGAC[C>A]TCCGCAGAGCAGCTGAGGAAGCATTTGAAGTTAAAGATGTGCTTAATTCCACCTTAGATT-3'
Protein context (NP_071397.3, residues 1188-1208): PMPTFGKGLD[Leu1198Ile]RRAAEEAFEV

ClinVar aggregate classification (germline): Uncertain significance. Review status: criteria provided, multiple submitters, no conflicts (2 of 4 stars). 4 submissions from 4 submitters: Uncertain significance (4). Last evaluated 2025-12-02.

Conditions:
Left ventricular noncompaction 8 (LVNC8). Identifiers: Orphanet 154, Orphanet 54260, MedGen C3809288, MONDO:0014152, OMIM 615373.
Inborn genetic diseases. Identifiers: MedGen C0950123, MeSH D030342.

Allele frequency attached by ClinVar (database versions not stated): ExAC 0.00001; gnomAD 0.00001; gnomAD exomes 0.00001 and 0.00002; TOPMed 0.00003.
gnomAD v4.1: 32 of 1,613,996 alleles (0.002%); highest among the groups gnomAD compares: Non-Finnish European, 0.0026%; no homozygotes.

Submissions (4):

Ambry Genetics
Classification: Uncertain significance for Inborn genetic diseases. Last evaluated: 2025-12-02. Review status: criteria provided, single submitter. Criteria: Ambry Variant Classification Scheme 2023. Collection method: clinical testing. Allele origin: germline.

Labcorp Genetics (formerly Invitae), Labcorp
Classification: Uncertain significance for Left ventricular noncompaction 8. Last evaluated: 2025-02-25. Review status: criteria provided, single submitter. Criteria: Invitae Variant Classification Sherloc (09022015). Collection method: clinical testing. Allele origin: germline.
Comment: This sequence change replaces leucine, which is neutral and non-polar, with isoleucine, which is neutral and non-polar, at codon 1198 of the PRDM16 protein (p.Leu1198Ile). This variant is present in population databases (rs778899500, gnomAD 0.003%). This variant has not been reported in the literature in individuals affected with PRDM16-related conditions. ClinVar contains an entry for this variant (Variation ID: 658759). An algorithm developed to predict the effect of missense changes on protein structure and function (PolyPhen-2) suggests that this variant is likely to be disruptive. In summary, the available evidence is currently insufficient to determine the role of this variant in disease. Therefore, it has been classified as a Variant of Uncertain Significance.

GeneDx
Classification: Uncertain significance. Last evaluated: 2024-08-27. Review status: criteria provided, single submitter. Criteria: GeneDx Variant Classification Process June 2021. Collection method: clinical testing. Allele origin: germline. Affected: yes.
Comment: Has not been previously published as pathogenic or benign to our knowledge; Not observed at significant frequency in large population cohorts (gnomAD); In silico analysis indicates that this missense variant does not alter protein structure/function

Fulgent Genetics
Classification: Uncertain significance for Left ventricular noncompaction 8. Last evaluated: 2021-07-13. Review status: criteria provided, single submitter. Criteria: ACMG Guidelines, 2015. Collection method: clinical testing. Allele origin: unknown.